The following is an entry in ClinVar:

NM_001111.5(ADAR):c.1768G>C (p.Glu590Gln)

Gene: ADAR (adenosine deaminase RNA specific; minus strand). Cytogenetic location: 1q21.3.
Variant type: single nucleotide variant.
Coding change: c.1768G>C on transcript NM_001111.5 (MANE Select); coding-DNA position 1768, G replaced by C.
Protein change: p.Glu590Gln; replaces glutamic acid 590 with glutamine.
Molecular consequence: missense variant.
Genome position (GRCh38, 1-based): chr1:154,598,419, C>G on the plus strand (G>C on the coding strand, the complement: ADAR is on the minus strand). VCF-style: chr1-154598419-C-G. GRCh37 (hg19) VCF-style: chr1-154570895-C-G.
Other names: c.883G>C, p.Glu295Gln (NM_001025107.3, NM_001193495.2, NM_001365046.1 and 3 more transcripts); c.1795G>C, p.Glu599Gln (NM_001365045.1); c.1768G>C, p.Glu590Gln (NM_015840.4, NM_015841.4); short protein forms E599Q, E590Q, E295Q.
Identifiers: ClinVar variation 1477724 (VCV001477724.8), dbSNP rs772602893, ClinGen allele CA1131485.

ClinVar aggregate classification (germline): Uncertain significance (1 of 4 stars; one submission).

Conditions:
Aicardi-Goutieres syndrome 6 (AGS6). Identifiers: Orphanet 51, MedGen C3539013, MONDO:0014007, OMIM 615010.
Symmetrical dyschromatosis of extremities (DSH). Also called: DYSCHROMATOSIS SYMMETRICA HEREDITARIA 1; RETICULATE ACROPIGMENTATION OF DOHI; SYMMETRIC DYSCHROMATOSIS OF THE EXTREMITIES; Dyschromatosis symmetrica hereditaria. Identifiers: Orphanet 41, MedGen C0406775, MONDO:0007483, OMIM 127400.

Allele frequency attached by ClinVar (database versions not stated): gnomAD exomes below 0.00001; TOPMed below 0.00001; ExAC 0.00002.
gnomAD v4.1: 1 of 1,614,208 alleles (0.000062%); highest among the groups gnomAD compares: Admixed American, 0.0017%; no homozygotes.

Submission:

Labcorp Genetics (formerly Invitae), Labcorp
Classification: Uncertain significance for Aicardi-Goutieres syndrome 6; Symmetrical dyschromatosis of extremities. Last evaluated: 2026-01-05. Review status: criteria provided, single submitter. Criteria: Invitae Variant Classification Sherloc (09022015). Collection method: clinical testing. Allele origin: germline.
Comment: This sequence change replaces glutamic acid, which is acidic and polar, with glutamine, which is neutral and polar, at codon 590 of the ADAR protein (p.Glu590Gln). This variant is present in population databases (rs772602893, gnomAD 0.003%). This variant has not been reported in the literature in individuals affected with ADAR-related conditions. ClinVar contains an entry for this variant (Variation ID: 1477724). Invitae Evidence Modeling of protein sequence and biophysical properties (such as structural, functional, and spatial information, amino acid conservation, physicochemical variation, residue mobility, and thermodynamic stability) indicates that this missense variant is not expected to disrupt ADAR protein function with a negative predictive value of 80%. In summary, the available evidence is currently insufficient to determine the role of this variant in disease. Therefore, it has been classified as a Variant of Uncertain Significance.